The following is an entry in ClinVar:

ClinVar aggregate classification (germline): Likely benign. Review status: criteria provided, multiple submitters, no conflicts (2 of 4 stars). 2 submissions from 2 submitters: Likely benign (2). Last evaluated 2024-02-26.

Conditions:
Juvenile polyposis/hereditary hemorrhagic telangiectasia syndrome (JPHT). Also called: Juvenile Polyposis Syndrome / Hereditary Hemorrhagic Telangiectasia (JPS/HHT); JP/HHT SYNDROME; JUVENILE POLYPOSIS WITH HEREDITARY HEMORRHAGIC TELANGIECTASIA; POLYPOSIS, GENERALIZED JUVENILE, WITH PULMONARY ARTERIOVENOUS MALFORMATION; TELANGIECTASIA, HEREDITARY HEMORRHAGIC, WITH JUVENILE POLYPOSIS COLI. Identifiers: Orphanet 2929, MedGen C1832942, MONDO:0008278, OMIM 175050.
Juvenile polyposis syndrome (JPS). Identifiers: Orphanet 2929, MedGen C0345893, MONDO:0017380, OMIM 174900.

Submissions (2):

Labcorp Genetics (formerly Invitae), Labcorp
Classification: Likely benign for Juvenile polyposis syndrome. Last evaluated: 2024-02-26. Review status: criteria provided, single submitter. Criteria: Invitae Variant Classification Sherloc (09022015). Collection method: clinical testing. Allele origin: germline.

All of Us Research Program, National Institutes of Health
Classification: Likely benign for Juvenile polyposis/hereditary hemorrhagic telangiectasia syndrome. Last evaluated: 2023-03-23. Review status: criteria provided, single submitter. Criteria: ACMG Guidelines, 2015. Collection method: clinical testing. Allele origin: germline. Inheritance: Autosomal dominant inheritance. Observed: 1 variant allele, 1 heterozygote.
Comment: This study involves interpretation of variants in research participants for the purpose of population health screening. Participant phenotype was not available at the time of variant classification. Additional details can be found in publication PMID: 35346344, PMCID: PMC8962531

NM_005359.6(SMAD4):c.15T>C (p.Ser5=)

Gene: SMAD4 (SMAD family member 4; plus strand). Cytogenetic location: 18q21.2.
Variant type: single nucleotide variant.
Coding change: c.15T>C on transcript NM_005359.6 (MANE Select); coding-DNA position 15, T replaced by C.
Protein change: p.Ser5=; no amino-acid change (serine 5 retained).
Molecular consequence: synonymous variant. On other transcripts: non-coding transcript variant (2).
Genome position (GRCh38, 1-based): chr18:51,047,061, T>C. VCF-style: chr18-51047061-T-C. GRCh37 (hg19) VCF-style: chr18-48573431-T-C.
Other names: c.15T>C, p.Ser5= (NM_001407041.1, NM_001407042.1, NM_001407043.1).
Identifiers: ClinVar variation 3069982 (VCV003069982.3), dbSNP rs2144400226, ClinGen allele CA503873371.